The following is an entry in ClinVar:

ClinVar aggregate classification (germline): Conflicting classifications of pathogenicity. Review status: criteria provided, conflicting classifications (1 of 4 stars). 7 submissions from 7 submitters: Uncertain significance (1); Likely benign (6). Last evaluated 2026-08-01.

Conditions:
Spastic paraplegia. Identifiers: MedGen C0037772, HP:0001258.
Hereditary spastic paraplegia. Also called: Familial spastic paraparesis. Identifiers: Orphanet 685, MedGen C0037773, MONDO:0019064. Disease mechanism: loss of function.
Hereditary spastic paraplegia 15 (SPG15). Also called: SPASTIC PARAPLEGIA 15, AUTOSOMAL RECESSIVE; KJELLIN SYNDROME; SPASTIC PARAPLEGIA AND RETINAL DEGENERATION. Identifiers: Orphanet 100996, MedGen C1849128, MONDO:0010044, OMIM 270700.

Allele frequency attached by ClinVar (database versions not stated): 1000 Genomes Project 0.00020; 1000 Genomes Project 30x 0.00031; gnomAD exomes 0.00048 and 0.00071; ESP Exome Variant Server 0.00054; gnomAD 0.00063 and 0.00064; ExAC 0.00068.
gnomAD v4.1: 824 of 1,603,192 alleles (0.051%); highest among the groups gnomAD compares: Middle Eastern, 0.41%; 2 homozygotes.

Submissions (7):

CeGaT Center for Human Genetics Tuebingen
Classification: Likely benign. Last evaluated: 2026-08-01. Review status: criteria provided, single submitter. Criteria: CeGaT Center For Human Genetics Tuebingen Variant Classification Criteria Version 2. Collection method: clinical testing. Allele origin: germline. Affected: yes. Observed: 8 variant alleles.
Comment: ZFYVE26: BP4, BP7

Labcorp Genetics (formerly Invitae), Labcorp
Classification: Likely benign for Spastic paraplegia. Last evaluated: 2025-12-21. Review status: criteria provided, single submitter. Criteria: Invitae Variant Classification Sherloc (09022015). Collection method: clinical testing. Allele origin: germline.

Blueprint Genetics
Classification: Likely benign. Last evaluated: 2024-11-21. Review status: criteria provided, single submitter. Criteria: ACMG Guidelines, 2015. Collection method: clinical testing. Allele origin: germline.

Genome Diagnostics Laboratory, The Hospital for Sick Children
Classification: Likely benign for Hereditary spastic paraplegia. Last evaluated: 2021-03-05. Review status: criteria provided, single submitter. Criteria: ACMG Guidelines, 2015. Collection method: clinical testing. Allele origin: germline. Affected: yes.

Athena Diagnostics
Classification: Likely benign. Last evaluated: 2018-08-15. Review status: criteria provided, single submitter. Criteria: Athena Diagnostics Criteria. Collection method: clinical testing. Allele origin: germline.

Illumina Laboratory Services, Illumina
Classification: Uncertain significance for Hereditary spastic paraplegia 15. Last evaluated: 2018-01-12. Review status: criteria provided, single submitter. Criteria: ICSL Variant Classification Criteria 13 December 2019. Collection method: clinical testing. Allele origin: germline.

GeneDx
Classification: Likely benign. Last evaluated: 2017-06-22. Review status: criteria provided, single submitter. Criteria: GeneDx Variant Classification (06012015). Collection method: clinical testing. Allele origin: germline. Affected: yes.
Comment: This variant is considered likely benign or benign based on one or more of the following criteria: it is a conservative change, it occurs at a poorly conserved position in the protein, it is predicted to be benign by multiple in silico algorithms, and/or has population frequency not consistent with disease.

NM_015346.4(ZFYVE26):c.3051T>C (p.Ala1017=)

Gene: ZFYVE26 (zinc finger FYVE-type containing 26; minus strand). Cytogenetic location: 14q24.1.
Variant type: single nucleotide variant.
Coding change: c.3051T>C on transcript NM_015346.4 (MANE Select); coding-DNA position 3051, T replaced by C.
Protein change: p.Ala1017=; no amino-acid change (alanine 1017 retained).
Molecular consequence: synonymous variant.
Genome position (GRCh38, 1-based): chr14:67,786,202, A>G on the plus strand (T>C on the coding strand, the complement: ZFYVE26 is on the minus strand). VCF-style: chr14-67786202-A-G. GRCh37 (hg19) VCF-style: chr14-68252919-A-G.
Identifiers: ClinVar variation 448889 (VCV000448889.54), dbSNP rs138895639, ClinGen allele CA7240084.
Genomic context (GRCh38, chr14:67,786,202, plus strand): 5'-CAGATAATTGAGACTCTTACTGATTTGCTGAAGAACAACTGGAAAACCTCGAATGCCATC[A>G]GCATTTAGGAGTACGTGGTCTATCCGTCGACCTGGAAATAGATGAAGGAAGAGGGAATGC-3'
Protein context (NP_056161.2, residues 1007-1027): GRRIDHVLLN[Ala1017=]DGIRGFPVVL